The following is an entry in ClinVar:

NM_000543.5(SMPD1):c.1805G>A (p.Arg602His)

Gene: SMPD1 (sphingomyelin phosphodiesterase 1; plus strand). Cytogenetic location: 11p15.4.
Variant type: single nucleotide variant.
Coding change: c.1805G>A on transcript NM_000543.5 (MANE Select); coding-DNA position 1805, G replaced by A.
Protein change: p.Arg602His; replaces arginine 602 with histidine.
Molecular consequence: missense variant. On other transcripts: 3 prime UTR variant (1), non-coding transcript variant (2).
Genome position (GRCh38, 1-based): chr11:6,394,516, G>A. VCF-style: chr11-6394516-G-A. GRCh37 (hg19) VCF-style: chr11-6415746-G-A.
Other names: c.1802G>A, p.Arg601His (NM_001007593.3); c.*298G>A (NM_001318087.2); c.884G>A, p.Arg295His (NM_001318088.2); c.1673G>A, p.Arg558His (NM_001365135.2); short protein forms R602H, R558H, R295H, R601H.
Identifiers: ClinVar variation 188955 (VCV000188955.26), dbSNP rs370129081, ClinGen allele CA274179.

ClinVar aggregate classification (germline): Pathogenic. Review status: criteria provided, multiple submitters, no conflicts (2 of 4 stars). 9 submissions from 9 submitters: Pathogenic (8). 1 of the submissions does not count toward it. Last evaluated 2025-10-14.

Conditions:
Niemann-Pick disease, type A. Also called: Infantile Neurovisceral ASMD (Niemann-Pick Disease Type A; NPD-A); SPHINGOMYELIN LIPIDOSIS; SPHINGOMYELINASE DEFICIENCY. Identifiers: Orphanet 77292, MedGen C0268242, MONDO:0009756, OMIM 257200. Disease mechanism: loss of function.
Niemann-Pick disease, type B. Also called: Chronic Visceral ASMD (Niemann-Pick Disease Type B; NPD-B). Identifiers: Orphanet 77293, MedGen C0268243, MONDO:0011871, OMIM 607616. Disease mechanism: loss of function.
Sphingomyelin/cholesterol lipidosis. Also called: Niemann-Pick disease. Identifiers: MedGen C0028064, MONDO:0001982.

Allele frequency attached by ClinVar (database versions not stated): gnomAD 0.00001 and 0.00002; gnomAD exomes 0.00002; ExAC 0.00003; TOPMed 0.00003; ESP Exome Variant Server 0.00008.

Submissions (9):

Natera, Inc.
Classification: Pathogenic for Niemann-Pick Disease, Types A/B. Last evaluated: 2025-10-14. Review status: criteria provided, single submitter. Criteria: Natera Variant Classification Schema (03/2026). Collection method: clinical testing. Allele origin: germline.
Comment: The c.1805G>A variant in SMPD1 is a missense variant predicted to cause substitution of arginine to histidine at amino acid 602. This variant is rare in the general population with a frequency below the threshold expected for the associated phenotype(s). This variant has been observed in one or more individuals affected with the associated recessive disease, as either homozygous or compound heterozygous with a second variant (PMID: 33675270). Given the available evidence, this variant is classified as Pathogenic.

Labcorp Genetics (formerly Invitae), Labcorp
Classification: Pathogenic for Niemann-Pick disease, type B; Niemann-Pick disease, type A. Last evaluated: 2025-06-05. Review status: criteria provided, single submitter. Criteria: Invitae Variant Classification Sherloc (09022015). Collection method: clinical testing. Allele origin: germline.
Comment: This sequence change replaces arginine, which is basic and polar, with histidine, which is basic and polar, at codon 602 of the SMPD1 protein (p.Arg602His). This variant is present in population databases (rs370129081, gnomAD 0.01%). This missense change has been observed in individuals with Niemann-Pick disease (PMID: 12712061, 15241805, 27338287). This variant is also known as R600H. ClinVar contains an entry for this variant (Variation ID: 188955). Invitae Evidence Modeling of protein sequence and biophysical properties (such as structural, functional, and spatial information, amino acid conservation, physicochemical variation, residue mobility, and thermodynamic stability) indicates that this missense variant is expected to disrupt SMPD1 protein function with a positive predictive value of 95%. Experimental studies have shown that this missense change affects SMPD1 function (PMID: 16010684, 21098024). This variant disrupts the p.Arg602 amino acid residue in SMPD1. Other variant(s) that disrupt this residue have been observed in individuals with SMPD1-related conditions (PMID: 15241805), which suggests that this may be a clinically significant amino acid residue. For these reasons, this variant has been classified as Pathogenic.

GeneDx
Classification: Pathogenic. Last evaluated: 2025-02-10. Review status: criteria provided, single submitter. Criteria: GeneDx Variant Classification Process June 2021. Collection method: clinical testing. Allele origin: germline. Affected: yes.
Comment: Published functional studies demonstrate that this variant is associated with 7-13% residual enzyme activity and has been associated with a non-neuronopathic, Niemann-Pick disease type B, phenotype (PMID: 16010684, 21098024); In silico analysis supports that this missense variant has a deleterious effect on protein structure/function; Not observed at significant frequency in large population cohorts (gnomAD); Also known as p.R600H; This variant is associated with the following publications: (PMID: 12712061, 29995201, 16010684, 34867278, 12369017, 15545621, 21098024, 15234149, 15241805, 26377108, 26499107, 27338287, 19411774, 26049896, 31122880, 33675270, 35534800, 36114502, 38592326, 38077306, 38739391, 38866761, 30985853)

Revvity Omics, Revvity
Classification: Pathogenic. Last evaluated: 2024-07-15. Review status: criteria provided, single submitter. Criteria: ACMG Guidelines, 2015. Collection method: clinical testing. Allele origin: germline.

Baylor Genetics
Classification: Pathogenic for Niemann-Pick disease, type A. Last evaluated: 2024-01-16. Review status: criteria provided, single submitter. Criteria: ACMG Guidelines, 2015. Collection method: clinical testing. Allele origin: unknown.

Women's Health and Genetics/Laboratory Corporation of America, LabCorp
Classification: Pathogenic for Sphingomyelin/cholesterol lipidosis. Last evaluated: 2022-04-14. Review status: criteria provided, single submitter. Criteria: LabCorp Variant Classification Summary - May 2015. Collection method: clinical testing. Allele origin: germline.
Comment: Variant summary: SMPD1 c.1805G>A (p.Arg602His) results in a non-conservative amino acid change in the encoded protein sequence. Four of five in-silico tools predict a damaging effect of the variant on protein function. The variant allele was found at a frequency of 1.6e-05 in 249502 control chromosomes (gnomAD). c.1805G>A has been reported in the literature in multiple individuals affected with Niemann-Pick Disease (e.g. Wasserstein_2004, Zampieri_2016, Hu_2021). These data indicate that the variant is very likely to be associated with disease. At least one publication reports experimental evidence evaluating an impact on protein function. The most pronounced variant effect results in 13% of normal enzymatic activity (Dardis_2005, Zampieri_2016). Three ClinVar submitters (evaluation after 2014) cite the variant as pathogenic. Based on the evidence outlined above, the variant was classified as pathogenic.

Broad Center for Mendelian Genomics, Broad Institute of MIT and Harvard
Classification: Pathogenic for Sphingomyelin/cholesterol lipidosis. Last evaluated: 2020-01-23. Review status: criteria provided, single submitter. Criteria: ACMG Guidelines, 2015. Collection method: curation. Allele origin: germline. Inheritance: Autosomal recessive inheritance.
Comment: The p.Arg602His variant in SMPD1 (also known as p.Arg600His due to a difference in cDNA numbering) has been reported in at least 6 individuals with Niemann-Pick disease (PMID: 15545621, 15234149, 12712061, 26499107, 15241805) and has been identified in 0.012% (2/16240 of African chromosomes, 0.003% (1/34580) of Latino chromosomes, and 0.001% (1/113576) of European (non-Finnish) chromosomes by the Genome Aggregation Database (gnomAD; dbSNP 188955). Although this variant has been seen in the general population, its frequency is low enough to be consistent with a recessive carrier frequency. This variant has also been reported in ClinVar (VariationID: 188955) as likely pathogenic by Counsyl. In vitro functional studies provide some evidence that the p.Arg602His variant may impact protein function (PMID: 16010684, 21098024). However, these types of assays may not accurately represent biological function. Computational prediction tools and conservation analyses suggest that this variant may impact the protein, though this information is not predictive enough to determine pathogenicity. The presence of this variant in an affected homozygote and in combination with a reported pathogenic variants in 3 individuals with Niemann-Pick disease increases the likelihood that the p.Arg602Pro variant is pathogenic (VariationID: 198093, 188840; PMID: 15545621, 15234149, 12712061, 15241805). One additional pathogenic variant, resulting in a different amino acid change at the same position, p.Arg602Pro, has been reported in association with disease in the literature, supporting that a change at this position may not be tolerated (PMID: 16010684, 21098024, 15241805, 27725636). The p.Arg602His variant is located in a region of SMPD1 that is essential to protein folding and stability, suggesting that this variant is in a functional domain and supports pathogenicity (PMID: 21098024, 27725636). In summary, this variant meets criteria to be classified as pathogenic for Niemann-Pick disease in an autosomal recessive manner based on its presence in affected homozygotes and compound heterozygotes in trans with pathogenic variants, in vitro functional studies, the presence of other variants at the same residue, and the functional importance of the region it falls in. ACMG/AMP Criteria applied: PM3_strong, PS3_moderate, PM5, PM2_supporting, PP3, PM1_supporting (Richards 2015).

Juno Genomics, Hangzhou Juno Genomics, Inc
Classification: Pathogenic for Niemann-Pick disease, type A; Niemann-Pick disease, type B. Review status: criteria provided, single submitter. Criteria: ACMG Guidelines, 2015. Collection method: clinical testing. Allele origin: germline.
Comment: Absent from controls (or at extremely low frequency if recessive) in Genome Aggregation Database.;Multiple lines of computational evidence support a deleterious effect on the gene or gene product.;For recessive disorders, detected in trans with a pathogenic variant.;Co-segregation with disease in multiple affected family members.;Patient's phenotype or family history is highly specific for a disease with a single genetic etiology.

Counsyl
Classification: Likely pathogenic for Niemann-Pick disease, type A. Last evaluated: 2014-09-02. Review status: no assertion criteria provided. Collection method: literature only. Allele origin: unknown. Inheritance: Autosomal recessive inheritance. Not counted in ClinVar's aggregate classification.

Literature cited by the submitters: PubMed 33675270 (cited by Natera, Inc. and Women's Health and Genetics/Laboratory Corporation of America, LabCorp); PubMed 12712061 (cited by Labcorp Genetics (formerly Invitae), Labcorp and Counsyl); PubMed 15241805 (cited by 3 submitters); PubMed 27338287 (cited by Labcorp Genetics (formerly Invitae), Labcorp); PubMed 16010684 (cited by 4 submitters); PubMed 21098024 (cited by 3 submitters); PubMed 26499107 (cited by Women's Health and Genetics/Laboratory Corporation of America, LabCorp and Broad Center for Mendelian Genomics, Broad Institute of MIT and Harvard); PubMed 15545621 (cited by 3 submitters); PubMed 18052040 (cited by Broad Center for Mendelian Genomics, Broad Institute of MIT and Harvard); PubMed 15234149 (cited by Broad Center for Mendelian Genomics, Broad Institute of MIT and Harvard and Counsyl); PubMed 27725636 (cited by Broad Center for Mendelian Genomics, Broad Institute of MIT and Harvard); PubMed 12369017 (cited by Counsyl).